The following is an entry in ClinVar:

ClinVar aggregate classification (germline): Pathogenic/Likely pathogenic. Review status: criteria provided, multiple submitters, no conflicts (2 of 4 stars). 2 submissions from 2 submitters: Pathogenic (1); Likely pathogenic (1). Last evaluated 2025-03-12.

Conditions:
Becker muscular dystrophy, Cardiomyopathy, Duchenne muscular dystrophy, Dystrophin deficiency.
Duchenne muscular dystrophy (DMD). Also called: MUSCULAR DYSTROPHY, PSEUDOHYPERTROPHIC PROGRESSIVE, DUCHENNE TYPE; Duchenne Muscular Dystrophy (DMD). Identifiers: Orphanet 98896, MedGen C0013264, MONDO:0010679, OMIM 310200.

Submissions (2):

Natera, Inc.
Classification: Likely pathogenic for Becker muscular dystrophy, Cardiomyopathy, Duchenne muscular dystrophy, Dystrophin deficiency. Last evaluated: 2025-03-12. Review status: criteria provided, single submitter. Criteria: Natera Variant Classification Schema (03/2026). Collection method: clinical testing. Allele origin: germline.
Comment: The c.620T>A variant in DMD is a nonsense variant predicted to introduce a stop codon at amino acid 207. This variant is expected to result in nonsense mediated decay, truncation, or a dysfunctional protein product. This variant is rare in the general population with a frequency below the threshold expected for the associated phenotype(s). Given the available evidence, this variant is classified as Likely Pathogenic.

Labcorp Genetics (formerly Invitae), Labcorp
Classification: Pathogenic for Duchenne muscular dystrophy. Last evaluated: 2022-03-29. Review status: criteria provided, single submitter. Criteria: Invitae Variant Classification Sherloc (09022015). Collection method: clinical testing. Allele origin: germline.
Comment: This sequence change creates a premature translational stop signal (p.Leu207*) in the DMD gene. It is expected to result in an absent or disrupted protein product. Loss-of-function variants in DMD are known to be pathogenic (PMID: 16770791, 25007885). This variant is not present in population databases (gnomAD no frequency). This premature translational stop signal has been observed in individual(s) with clinical features of DMD-related conditions (PMID: 21969337). For these reasons, this variant has been classified as Pathogenic.

Literature cited by the submitters: PubMed 16770791 (cited by Labcorp Genetics (formerly Invitae), Labcorp); PubMed 25007885 (cited by Labcorp Genetics (formerly Invitae), Labcorp); PubMed 21969337 (cited by Labcorp Genetics (formerly Invitae), Labcorp).

NM_004006.3(DMD):c.620T>A (p.Leu207Ter)

Gene: DMD (dystrophin; minus strand). Cytogenetic location: Xp21.1.
Variant type: single nucleotide variant.
Coding change: c.620T>A on transcript NM_004006.3 (MANE Select); coding-DNA position 620, T replaced by A.
Protein change: p.Leu207Ter; replaces leucine 207 with a stop codon.
Molecular consequence: nonsense.
Genome position (GRCh38, 1-based): chrX:32,809,522, A>T on the plus strand (T>A on the coding strand, the complement: DMD is on the minus strand). VCF-style: chrX-32809522-A-T. GRCh37 (hg19) VCF-style: chrX-32827639-A-T.
Other names: c.596T>A, p.Leu199Ter (NM_000109.4); c.608T>A, p.Leu203Ter (NM_004009.3); c.251T>A, p.Leu84Ter (NM_004010.3); short protein forms L199*, L207*, L84*, L203*.
Identifiers: ClinVar variation 2119299 (VCV002119299.5), dbSNP rs2148750854, ClinGen allele CA412673815.